The following is an entry in ClinVar:

NM_000152.5(GAA):c.766_767insC (p.Tyr256fs)

Gene: GAA (alpha glucosidase; plus strand). Cytogenetic location: 17q25.3.
Variant type: Insertion.
Coding change: c.766_767insC on transcript NM_000152.5 (MANE Select); coding-DNA positions 766 to 767, C inserted.
Protein change: p.Tyr256fs; shifts the reading frame from tyrosine 256.
Molecular consequence: frameshift variant.
Genome position: GRCh38 VCF-style: chr17-80107630-T-TC. GRCh37 (hg19) VCF-style: chr17-78081429-T-TC.
Other names: c.766_767insC (LRG_673t1); c.766_767insC, p.Tyr256fs (NM_001079803.3, NM_001079804.3); short protein forms Y256fs.
Identifiers: ClinVar variation 550104 (VCV000550104.7), dbSNP rs1555599637, ClinGen allele CA658824780.

ClinVar aggregate classification (germline): Likely pathogenic. Review status: reviewed by expert panel (3 of 4 stars). 2 submissions from 2 submitters: Likely pathogenic (1). 1 of the submissions does not count toward it. Last evaluated 2026-07-06.

Conditions:
Glycogen storage disease, type II (IOPD). Also called: Glycogen storage disease type 2; Acid maltase deficiency disease; Aglucosidase alfa; Deficiency of alpha-glucosidase; Deficiency of lysosomal alpha-glucosidase; POMPE DISEASE, INFANTILE-ONSET. Identifiers: Orphanet 365, MedGen C0017921, MONDO:0009290, OMIM 232300.

Allele frequency attached by ClinVar (database versions not stated): gnomAD exomes below 0.00001.

Submissions (2):

ClinGen Lysosomal Storage Disorder Variant Curation Expert Panel
Classification: Likely pathogenic for Glycogen storage disease, type II. Last evaluated: 2026-07-06. Review status: reviewed by expert panel. Criteria: clingen_lsd_acmg_specifications_v2-1. Collection method: curation. Allele origin: germline. Inheritance: Autosomal recessive inheritance.
Comment: The NM_000152.5:c.766_767insC (p.Tyr256SerfsTer74) variant in GAA is a frameshift variant that is predicted to cause a premature stop codon, leading to nonsense mediated decay in exon 6 out of a total of 20 exons, a gene in which loss-of-function is an established disease mechanism (PVS1). The highest population minor allele frequency in gnomAD v4.1.0. is 8.476e-7 (1/1179854 alleles) in the European non-Finnish population, which is lower than the ClinGen Lysosomal Diseases VCEP’s threshold for PM2_Supporting (<0.001), meeting this criterion (PM2_Supporting). To our knowledge, this variant has not been reported in a patient with Pompe disease in the literature, and results of functional studies are not available. There is a ClinVar entry for this variant (Variation ID: 550104. In summary, this variant meets the criteria to be classified as likely pathogenic for Pompe disease. The classification of this variant has been upgraded from Variant of Uncertain Significance to Likely Pathogenic based on the recommendations of the ClinGen Sequence Variant Interpretation Working Group, that a variant meeting PVS1 and PM2_Supporting is classified as Likely Pathogenic GAA-specific ACMG/AMP criteria applied, as specified by the ClinGen Lysosomal Diseases VCEP (Specifications Version 2.0): PVS1, PM2_Supporting. (Classification approved by the ClinGen Lysosomal Diseases VCEP on July 6, 2026).

Counsyl
Classification: Likely pathogenic for Glycogen storage disease, type II. Last evaluated: 2016-12-29. Review status: no assertion criteria provided. Collection method: clinical testing. Allele origin: unknown. Not counted in ClinVar's aggregate classification.